The following is an entry in ClinVar:

NM_020184.4(CNNM4):c.1725G>C (p.Leu575=)

Gene: CNNM4 (cyclin and CBS domain divalent metal cation transport mediator 4; plus strand). Cytogenetic location: 2q11.2.
Variant type: single nucleotide variant.
Coding change: c.1725G>C on transcript NM_020184.4 (MANE Select); coding-DNA position 1725, G replaced by C.
Protein change: p.Leu575=; no amino-acid change (leucine 575 retained).
Molecular consequence: synonymous variant.
Genome position (GRCh38, 1-based): chr2:96,799,100, G>C. VCF-style: chr2-96799100-G-C. GRCh37 (hg19) VCF-style: chr2-97464837-G-C.
Other names: c.1725G>C (NM_020184.3).
Identifiers: ClinVar variation 1103063 (VCV001103063.11), dbSNP rs200199556, ClinGen allele CA1783455.

ClinVar aggregate classification (germline): Likely benign. Review status: criteria provided, multiple submitters, no conflicts (2 of 4 stars). 3 submissions from 3 submitters: Likely benign (3). Last evaluated 2026-01-27.

Conditions:
CNNM4-related disorder. Also called: CNNM4-related condition.

Allele frequency attached by ClinVar (database versions not stated): gnomAD exomes 0.00003 and 0.00007; ExAC 0.00007; ESP Exome Variant Server 0.00015; gnomAD 0.00021 and 0.00022; TOPMed 0.00033; 1000 Genomes Project 0.00060; 1000 Genomes Project 30x 0.00078.
gnomAD v4.1: 73 of 1,614,178 alleles (0.0045%); highest among the groups gnomAD compares: African/African-American, 0.087%; no homozygotes.

Submissions (3):

PreventionGenetics, part of Exact Sciences
Classification: Likely benign for CNNM4-related condition. Last evaluated: 2026-01-27. Review status: criteria provided, single submitter. Criteria: ACMG Guidelines, 2015. Collection method: clinical testing. Allele origin: germline.
Comment: This variant is classified as likely benign based on ACMG/AMP sequence variant interpretation guidelines (Richards et al. 2015 PMID: 25741868, with internal and published modifications).

Labcorp Genetics (formerly Invitae), Labcorp
Classification: Likely benign. Last evaluated: 2025-10-05. Review status: criteria provided, single submitter. Criteria: Invitae Variant Classification Sherloc (09022015). Collection method: clinical testing. Allele origin: germline.

Blueprint Genetics
Classification: Likely benign. Last evaluated: 2024-02-20. Review status: criteria provided, single submitter. Criteria: ACMG Guidelines, 2015. Collection method: clinical testing. Allele origin: germline.